The following is an entry in ClinVar:

ClinVar aggregate classification (germline): Uncertain significance. Review status: criteria provided, multiple submitters, no conflicts (2 of 4 stars). 2 submissions from 2 submitters: Uncertain significance (2). Last evaluated 2026-01-19.

Conditions:
Finnish congenital nephrotic syndrome (NPHS1). Also called: NEPHROTIC SYNDROME, TYPE 1. Identifiers: Orphanet 839, MedGen C0403399, MONDO:0009732, OMIM 256300.
Inborn genetic diseases. Identifiers: MedGen C0950123, MeSH D030342.

Allele frequency attached by ClinVar (database versions not stated): gnomAD exomes 0.00013; ExAC 0.00003; gnomAD 0.00005.

Submissions (2):

3billion
Classification: Uncertain significance for Finnish congenital nephrotic syndrome. Last evaluated: 2026-01-19. Review status: criteria provided, single submitter. Criteria: ACMG Guidelines, 2015. Collection method: clinical testing. Allele origin: germline. Affected: yes.
Comment: The variant is observed at an extremely low frequency in the gnomAD v4.1.0 dataset (total allele frequency: 0.012%). Predicted Consequence/Location: Missense variant In silico tool predictions suggest damaging effect of the variant on gene or gene product [3Cnet: 0.98 (> 0.75, sensitivity 0.96 and precision 0.92)]. The variant has been reported as of uncertain significance (ClinVar ID: VCV002250634; PMID: 34120753; 3billion dataset). Therefore, this variant is classified as VUS according to the recommendation of ACMG/AMP guideline.

Ambry Genetics
Classification: Uncertain significance for Inborn genetic diseases. Last evaluated: 2021-09-16. Review status: criteria provided, single submitter. Criteria: Ambry Variant Classification Scheme 2023. Collection method: clinical testing. Allele origin: germline.

NM_004646.4(NPHS1):c.2826C>A (p.Asp942Glu)

Gene: NPHS1 (NPHS1 adhesion molecule, nephrin; minus strand). Cytogenetic location: 19q13.12.
Variant type: single nucleotide variant.
Coding change: c.2826C>A on transcript NM_004646.4 (MANE Select); coding-DNA position 2826, C replaced by A.
Protein change: p.Asp942Glu; replaces aspartic acid 942 with glutamic acid.
Molecular consequence: missense variant.
Genome position (GRCh38, 1-based): chr19:35,839,597, G>T on the plus strand (C>A on the coding strand, the complement: NPHS1 is on the minus strand). VCF-style: chr19-35839597-G-T. GRCh37 (hg19) VCF-style: chr19-36330499-G-T.
Other names: short protein forms D942E.
Identifiers: ClinVar variation 2250634 (VCV002250634.3), dbSNP rs748286841, ClinGen allele CA9390003.